The following continues an entry in ClinVar:

NM_001048174.2(MUTYH):c.901G>A (p.Val301Met)

Gene: MUTYH. ClinVar aggregate classification (germline): Conflicting classifications of pathogenicity. Uncertain significance (14); Likely benign (5).

Submissions 13 to 22 of 22:

All of Us Research Program, National Institutes of Health
Classification: Uncertain significance for Familial adenomatous polyposis 2. Last evaluated: 2024-09-27. Review status: criteria provided, single submitter. Criteria: ACMG Guidelines, 2015. Collection method: clinical testing. Allele origin: germline. Inheritance: Autosomal recessive inheritance. Observed: 32 variant alleles, 31 heterozygotes, 1 hemizygote.
Comment: This missense variant replaces valine with methionine at codon 329 of the MUTYH protein. This variant is also known as c.943G>A (p.Val315Pro) based on an alternative transcript (NM_001048171). Computational prediction suggests that this variant may not impact protein structure and function (internally defined REVEL score threshold <= 0.5, PMID: 27666373). To our knowledge, functional studies have not been reported for this variant. This variant has been reported in individuals affected with head and neck cancer, papillary thyroid cancer, colorectal cancer, and breast cancer in the literature (PMID: 17207658, 25186627, 25980754, 27829682, 31062380, 32923874). This variant has also been identified in 23/282826 chromosomes in the general population by the Genome Aggregation Database (gnomAD). The available evidence is insufficient to determine the role of this variant in disease conclusively. Therefore, this variant is classified as a Variant of Uncertain Significance.

This study involves interpretation of variants in research participants for the purpose of population health screening. Participant phenotype was not available at the time of variant classification. Additional details can be found in publication PMID: 35346344, PMCID: PMC8962531

KCCC/NGS Laboratory, Kuwait Cancer Control Center
Classification: Uncertain significance for Familial adenomatous polyposis 2. Last evaluated: 2023-07-07. Review status: criteria provided, single submitter. Criteria: ACMG Guidelines, 2015. Collection method: clinical testing. Allele origin: unknown. Affected: yes.
Comment: A Variant of Uncertain Significance was detected in MUTYH gene. This sequence change replaces valine, which is neutral and non-polar, with methionine, which is neutral and non-polar, at codon 329 of the MUTYH protein (p.Val329Met). This variant is present in population databases (rs147718169, gnomAD 0.01%). This variant has been reported in individuals affected with head and neck cancer, papillary thyroid cancer, colorectal cancer, and breast cancer cancer in the literature (PMID: 17207658, 25186627, 25980754, 27829682, 31062380, 32923874). ClinVar contains an entry for this variant (Variation ID: 134859). Computational prediction suggests that this variant impact conflicting (SIFT: "Deleterious"; PolyPhen-2: "Benign"). In summary, the available evidence is currently insufficient to determine the role of this variant in disease. Therefore, it has been classified as a Variant of Uncertain Significance.

Sema4
Classification: Uncertain significance for Hereditary cancer-predisposing syndrome. Last evaluated: 2021-11-15. Review status: criteria provided, single submitter. Criteria: Sema4 Curation Guidelines. Collection method: curation. Allele origin: germline.
Comment: The MUTYH c.985G>A (p.V329M) variant has been reported in heterozygosity in at least four individuals with Lynch syndrome and/or colon polyps, and in at least one individual with squamous cell carcinoma of the head and neck (PMID: 17207658, 25980754, 27829682, 31062380). This variant has been reported in 11/60466 breast cancer cases and 18/53461 healthy controls by a large case-control study (PMID: 33471991). This variant is also known as V315M in literature. This variant was observed in 4/35436 chromosomes in the Latino population according to the Genome Aggregation Database (PMID: 32461654), and has been reported in ClinVar (Variation ID: 134859). In silico tools suggest the impact of the variant on protein function is benign, though these predictions have not been confirmed by functional studies. The evidence is insufficient to meet ACMG/AMP criteria for classifying the variant as benign or pathogenic. Thus, the clinical significance of this variant is currently uncertain.

Ambry Genetics
Classification: Likely benign for Hereditary cancer-predisposing syndrome. Last evaluated: 2020-07-07. Review status: criteria provided, single submitter. Criteria: Ambry Variant Classification Scheme 2023. Collection method: clinical testing. Allele origin: germline.

Mendelics
Classification: Uncertain significance for MYH-associated polyposis. Last evaluated: 2018-07-02. Review status: criteria provided, single submitter. Criteria: Mendelics Assertion Criteria 2017. Collection method: clinical testing. Allele origin: unknown.

Fulgent Genetics
Classification: Uncertain significance for Pilomatrixoma; Familial adenomatous polyposis 2; Gastric cancer. Last evaluated: 2017-05-23. Review status: criteria provided, single submitter. Criteria: ACMG Guidelines, 2015. Collection method: clinical testing. Allele origin: unknown.

Genomic Diagnostic Laboratory, Division of Genomic Diagnostics, Children's Hospital of Philadelphia
Classification: Uncertain significance. Last evaluated: 2015-07-27. Review status: criteria provided, single submitter. Criteria: DGD Variant Analysis Guidelines. Collection method: clinical testing. Allele origin: unknown.

Counsyl
Classification: Uncertain significance for Familial adenomatous polyposis 2. Last evaluated: 2016-03-29. Review status: no assertion criteria provided. Collection method: clinical testing. Allele origin: unknown. Not counted in ClinVar's aggregate classification.

ITMI
No classification provided. Condition: AllHighlyPenetrant. Last evaluated: 2013-09-19. Review status: no classification provided. Collection method: reference population. Allele origin: germline. Not counted in ClinVar's aggregate classification.
Comment: Please see associated publication for description of ethnicities

Department of Pathology and Laboratory Medicine, Sinai Health System
Classification: Uncertain significance. Review status: no assertion criteria provided. Collection method: clinical testing. Allele origin: unknown. Affected: yes. Study: The Canadian Open Genetics Repository (COGR). Not counted in ClinVar's aggregate classification.
Comment: The MUTYH p.Val329Met variant was identified in 4 of 3176 proband chromosomes (frequency: 0.0013) in one individual with squamous cell carcinoma of the head and neck (Gorgens 2007), two individuals with MUTYH-associated polyposis (Ricci 2017) and one individual with Lynch syndrome (Yurgelun 2015). The variant was also identified in dbSNP (ID: rs147718169) as â€šÃ„ÃºWith Uncertain significance, other alleleâ€šÃ„Ã¹, ClinVar (uncertain significance by Ambry Genetics, Invitae, GeneDx, Children's Hospital of Philadelphia, Counsyl, Fulgent Genetics, and Color), Clinvitae (4x), and Insight Colon Cancer Gene Variant Database. The variant was not identified in Cosmic, MutDB, or UMD-LSDB databases. The variant was identified in control databases in 23 of 277164 chromosomes at a frequency of 0.00008 increasing the likelihood this could be a low frequency benign variant (Genome Aggregation Database Feb 27, 2017). The variant was observed in the following populations: African in 2 of 24018 chromosomes (freq: 0.00008), Other in 1 of 6466 chromosomes (freq: 0.0002), Latino in 5 of 34420 chromosomes (freq: 0.0001), European (Non-Finnish) in 12 of 126662 chromosomes (freq: 0.0001), and South Asian in 3 of 30782 chromosomes (freq: 0.0001), while the variant was not observed in the Ashkenazi Jewish, East Asian, or Finnish populations. The p.Val329 residue is not conserved in mammals and four out of five computational analyses (PolyPhen-2, SIFT, AlignGVGD, BLOSUM, MutationTaster) do not suggest a high likelihood of impact to the protein; however, this information is not predictive enough to rule out pathogenicity. The variant occurs outside of the splicing consensus sequence and in silico or computational prediction software programs (SpliceSiteFinder, MaxEntScan, NNSPLICE, GeneSplicer, HumanSpliceFinder) do not predict a difference in splicing. In summary, based on the above information the clinical significance of this variant cannot be determined with certainty at this time. This variant is classified as a variant of uncertain significance.

Literature cited by the submitters: PubMed 36243179 (cited by Quest Diagnostics Nichols Institute San Juan Capistrano and Women's Health and Genetics/Laboratory Corporation of America, LabCorp); PubMed 37306523 (cited by Quest Diagnostics Nichols Institute San Juan Capistrano and Women's Health and Genetics/Laboratory Corporation of America, LabCorp); PubMed 31062380 (cited by 4 submitters); PubMed 33471991 (cited by Quest Diagnostics Nichols Institute San Juan Capistrano and Sema4); PubMed 35264596 (cited by Quest Diagnostics Nichols Institute San Juan Capistrano); PubMed 29684080 (cited by Quest Diagnostics Nichols Institute San Juan Capistrano and Ambry Genetics); PubMed 24728327 (cited by 4 submitters); PubMed 20571908 (cited by 3 submitters); PubMed 27829682 (cited by 5 submitters); PubMed 17207658 (cited by 5 submitters); PubMed 25980754 (cited by 6 submitters); PubMed 26580448 (cited by Women's Health and Genetics/Laboratory Corporation of America, LabCorp); PubMed 19300419 (cited by Women's Health and Genetics/Laboratory Corporation of America, LabCorp); PubMed 25186627 (cited by All of Us Research Program, National Institutes of Health); PubMed 32923874 (cited by All of Us Research Program, National Institutes of Health).